The following is an entry in ClinVar:

NM_152564.5(VPS13B):c.5419C>A (p.Leu1807Ile)

Gene: VPS13B (vacuolar protein sorting 13 homolog B; plus strand). Cytogenetic location: 8q22.2.
Variant type: single nucleotide variant.
Coding change: c.5419C>A on transcript NM_152564.5 (MANE Select); coding-DNA position 5419, C replaced by A.
Protein change: p.Leu1807Ile; replaces leucine 1807 with isoleucine.
Molecular consequence: missense variant.
Genome position (GRCh38, 1-based): chr8:99,642,009, C>A. VCF-style: chr8-99642009-C-A. GRCh37 (hg19) VCF-style: chr8-100654237-C-A.
Other names: c.5494C>A, p.Leu1832Ile (NM_017890.5); short protein forms L1807I, L1832I.
Identifiers: ClinVar variation 3350091 (VCV003350091.2).

ClinVar aggregate classification (germline): Uncertain significance (1 of 4 stars; one submission).

Conditions:
VPS13B-related disorder. Also called: VPS13B-related condition.

Submission:

PreventionGenetics, part of Exact Sciences
Classification: Uncertain significance for VPS13B-related condition. Last evaluated: 2025-12-09. Review status: criteria provided, single submitter. Criteria: ACMG Guidelines, 2015. Collection method: clinical testing. Allele origin: germline.
Comment: The VPS13B c.5419C>A variant is predicted to result in the amino acid substitution p.Leu1807Ile. To our knowledge, this variant has not been reported in the literature or in a large population database, indicating this variant is rare. At this time, the clinical significance of this variant is uncertain due to the absence of conclusive functional and genetic evidence.